The following is an entry in ClinVar:

NM_007325.5(GRIA3):c.1334T>G (p.Leu445Arg)

Gene: GRIA3 (glutamate ionotropic receptor AMPA type subunit 3; plus strand). Cytogenetic location: Xq25.
Variant type: single nucleotide variant.
Coding change: c.1334T>G on transcript NM_007325.5 (MANE Select); coding-DNA position 1334, T replaced by G.
Protein change: p.Leu445Arg; replaces leucine 445 with arginine.
Molecular consequence: missense variant.
Genome position (GRCh38, 1-based): chrX:123,404,748, T>G. VCF-style: chrX-123404748-T-G. GRCh37 (hg19) VCF-style: chrX-122538599-T-G.
Other names: c.1334T>G, p.Leu445Arg (NM_000828.5); short protein forms L445R.
Identifiers: ClinVar variation 4744846 (VCV004744846.1).

ClinVar aggregate classification (germline): Uncertain significance (1 of 4 stars; one submission).

Submission:

Labcorp Genetics (formerly Invitae), Labcorp
Classification: Uncertain significance. Last evaluated: 2025-08-29. Review status: criteria provided, single submitter. Criteria: Invitae Variant Classification Sherloc (09022015). Collection method: clinical testing. Allele origin: germline.
Comment: This sequence change replaces leucine, which is neutral and non-polar, with arginine, which is basic and polar, at codon 445 of the GRIA3 protein (p.Leu445Arg). This variant is not present in population databases (gnomAD no frequency). This variant has not been reported in the literature in individuals affected with GRIA3-related conditions. Invitae Evidence Modeling of protein sequence and biophysical properties (such as structural, functional, and spatial information, amino acid conservation, physicochemical variation, residue mobility, and thermodynamic stability) indicates that this missense variant is not expected to disrupt GRIA3 protein function with a negative predictive value of 80%. In summary, the available evidence is currently insufficient to determine the role of this variant in disease. Therefore, it has been classified as a Variant of Uncertain Significance.